The following is an entry in ClinVar:

ClinVar aggregate classification (germline): Uncertain significance (1 of 4 stars; one submission).

Conditions:
MAP3K1-related disorder. Also called: MAP3K1-related condition.

gnomAD v4.1: 4 of 1,613,922 alleles (0.00025%); highest among the groups gnomAD compares: Admixed American, 0.0067%; no homozygotes.

Submission:

PreventionGenetics, part of Exact Sciences
Classification: Uncertain significance for MAP3K1-related condition. Last evaluated: 2024-12-12. Review status: criteria provided, single submitter. Criteria: ACMG Guidelines, 2015. Collection method: clinical testing. Allele origin: germline.
Comment: The MAP3K1 c.2762G>C variant is predicted to result in the amino acid substitution p.Ser921Thr. To our knowledge, this variant has not been reported in the literature. This variant is reported in 0.0029% of alleles in individuals of Latino descent in gnomAD. At this time, the clinical significance of this variant is uncertain due to the absence of conclusive functional and genetic evidence.

NM_005921.2(MAP3K1):c.2762G>C (p.Ser921Thr)

Gene: MAP3K1 (mitogen-activated protein kinase kinase kinase 1; plus strand). Cytogenetic location: 5q11.2.
Variant type: single nucleotide variant.
Coding change: c.2762G>C on transcript NM_005921.2 (MANE Select); coding-DNA position 2762, G replaced by C.
Protein change: p.Ser921Thr; replaces serine 921 with threonine.
Molecular consequence: missense variant.
Genome position (GRCh38, 1-based): chr5:56,881,962, G>C. VCF-style: chr5-56881962-G-C. GRCh37 (hg19) VCF-style: chr5-56177789-G-C.
Other names: short protein forms S921T.
Identifiers: ClinVar variation 4990970 (VCV004990970.1).